The following is an entry in ClinVar:

NM_015450.3(POT1):c.85G>C (p.Val29Leu)

Gene: POT1 (protection of telomeres 1; minus strand). Cytogenetic location: 7q31.33.
Variant type: single nucleotide variant.
Coding change: c.85G>C on transcript NM_015450.3 (MANE Select); coding-DNA position 85, G replaced by C.
Protein change: p.Val29Leu; replaces valine 29 with leucine.
Molecular consequence: missense variant. On other transcripts: 5 prime UTR variant (1), non-coding transcript variant (3).
Genome position (GRCh38, 1-based): chr7:124,892,305, C>G on the plus strand (G>C on the coding strand, the complement: POT1 is on the minus strand). VCF-style: chr7-124892305-C-G. GRCh37 (hg19) VCF-style: chr7-124532359-C-G.
Other names: c.-178G>C (NM_001042594.2); short protein forms V29L.
Identifiers: ClinVar variation 1764010 (VCV001764010.2), dbSNP rs2485562635, ClinGen allele CA369066102.

ClinVar aggregate classification (germline): Uncertain significance (1 of 4 stars; one submission).

Conditions:
Hereditary cancer-predisposing syndrome. Also called: Neoplastic Syndromes, Hereditary; Tumor predisposition; Hereditary Cancer Syndrome; Hereditary neoplastic syndrome. Identifiers: Orphanet 140162, MedGen C0027672, MeSH D009386, MONDO:0015356.

Submission:

Ambry Genetics
Classification: Uncertain significance for Hereditary cancer-predisposing syndrome. Last evaluated: 2019-08-16. Review status: criteria provided, single submitter. Criteria: Ambry Variant Classification Scheme 2023. Collection method: clinical testing. Allele origin: germline.
Comment: The p.V29L variant (also known as c.85G>C), located in coding exon 2 of the POT1 gene, results from a G to C substitution at nucleotide position 85. The valine at codon 29 is replaced by leucine, an amino acid with highly similar properties. This amino acid position is highly conserved in available vertebrate species. In addition, this alteration is predicted to be deleterious by in silico analysis. Since supporting evidence is limited at this time, the clinical significance of this alteration remains unclear.